The following is an entry in ClinVar:

NM_001244008.2(KIF1A):c.3723G>C (p.Glu1241Asp)

Gene: KIF1A (kinesin family member 1A; minus strand). Cytogenetic location: 2q37.3.
Variant type: single nucleotide variant.
Coding change: c.3723G>C on transcript NM_001244008.2 (MANE Select); coding-DNA position 3723, G replaced by C.
Protein change: p.Glu1241Asp; replaces glutamic acid 1241 with aspartic acid.
Molecular consequence: missense variant.
Genome position (GRCh38, 1-based): chr2:240,741,295, C>G on the plus strand (G>C on the coding strand, the complement: KIF1A is on the minus strand). VCF-style: chr2-240741295-C-G. GRCh37 (hg19) VCF-style: chr2-241680712-C-G.
Other names: c.3447G>C, p.Glu1149Asp (NM_001320705.2, NM_001330289.2, NM_001379638.1); c.3522G>C, p.Glu1174Asp (NM_001330290.2, NM_001379634.1, NM_001379635.1 and 1 more transcripts); c.3798G>C, p.Glu1266Asp (NM_001379631.1); c.3672G>C, p.Glu1224Asp (NM_001379632.1); c.3696G>C, p.Glu1232Asp (NM_001379633.1, NM_001379642.1, NM_001379645.1); c.3420G>C, p.Glu1140Asp (NM_001379636.1, NM_001379639.1, NM_001379641.1 and 5 more transcripts); c.3495G>C, p.Glu1165Asp (NM_001379637.1, NM_001379648.1); c.3417G>C, p.Glu1139Asp (NM_001379640.1); short protein forms E1139D, E1241D, E1149D, E1165D, E1224D, E1140D, E1174D, E1232D.
Identifiers: ClinVar variation 4792666 (VCV004792666.1).

ClinVar aggregate classification (germline): Uncertain significance (1 of 4 stars; one submission).

Conditions:
Neuropathy, hereditary sensory, type 2C. Also called: KIF1A-Related HSAN2 (HSAN2C); Hereditary sensory and autonomic neuropathy type IIC. Identifiers: Orphanet 970, MedGen C3280168, MONDO:0013634, OMIM 614213.
Hereditary spastic paraplegia 30. Identifiers: Orphanet 101010, MedGen C5235139, MONDO:0012476.
Intellectual disability, autosomal dominant 9 (NESCAVS). Also called: KIF1A-Related Neurodevelopmental Disorder; NESCAV SYNDROME. Identifiers: Orphanet 662367, MedGen C5393830, MONDO:0013656, OMIM 614255.

Submission:

Labcorp Genetics (formerly Invitae), Labcorp
Classification: Uncertain significance for Hereditary spastic paraplegia 30; Neuropathy, hereditary sensory, type 2C; Intellectual disability, autosomal dominant 9. Last evaluated: 2025-07-31. Review status: criteria provided, single submitter. Criteria: Invitae Variant Classification Sherloc (09022015). Collection method: clinical testing. Allele origin: germline.
Comment: This sequence change replaces glutamic acid, which is acidic and polar, with aspartic acid, which is acidic and polar, at codon 1140 of the KIF1A protein (p.Glu1140Asp). This variant is not present in population databases (gnomAD no frequency). This variant has not been reported in the literature in individuals affected with KIF1A-related conditions. Invitae Evidence Modeling of protein sequence and biophysical properties (such as structural, functional, and spatial information, amino acid conservation, physicochemical variation, residue mobility, and thermodynamic stability) indicates that this missense variant is not expected to disrupt KIF1A protein function with a negative predictive value of 95%. In summary, the available evidence is currently insufficient to determine the role of this variant in disease. Therefore, it has been classified as a Variant of Uncertain Significance.